The following is an entry in ClinVar:

NM_018984.4(SSH1):c.2379C>G (p.Phe793Leu)

Gene: SSH1 (slingshot protein phosphatase 1; minus strand). Cytogenetic location: 12q24.11.
Variant type: single nucleotide variant.
Coding change: c.2379C>G on transcript NM_018984.4 (MANE Select); coding-DNA position 2379, C replaced by G.
Protein change: p.Phe793Leu; replaces phenylalanine 793 with leucine.
Molecular consequence: missense variant.
Genome position (GRCh38, 1-based): chr12:108,788,759, G>C on the plus strand (C>G on the coding strand, the complement: SSH1 is on the minus strand). VCF-style: chr12-108788759-G-C. GRCh37 (hg19) VCF-style: chr12-109182535-G-C.
Other names: c.2379C>G (NM_018984.3); short protein forms F793L.
Identifiers: ClinVar variation 3389507 (VCV003389507.14).
Genomic context (GRCh38, chr12:108,788,759, plus strand): 5'-GATGGACTCCTGGTGCTGCATCAGGTAGCTGTTGGTTGTCGGCTTCTCAGATTCATTACT[G>C]AACAGAAGCCTCAGGTCCTTGGCTGGCTTCATATCTTTCTTGGGTGACGATTCTTCCTTT-3'
Protein context (NP_061857.3, residues 783-803): MKPAKDLRLL[Phe793Leu]SNESEKPTTN

ClinVar aggregate classification (germline): Uncertain significance. Review status: criteria provided, multiple submitters, no conflicts (2 of 4 stars). 2 submissions from 2 submitters: Uncertain significance (2). Last evaluated 2025-10-29.

gnomAD v4.1: 1 of 1,614,244 alleles (0.000062%); no homozygotes.

Submissions (2):

Ambry Genetics
Classification: Uncertain significance. Last evaluated: 2025-10-29. Review status: criteria provided, single submitter. Criteria: Ambry Variant Classification Scheme 2023. Collection method: clinical testing. Allele origin: germline.

CeGaT Center for Human Genetics Tuebingen
Classification: Uncertain significance. Last evaluated: 2024-10-01. Review status: criteria provided, single submitter. Criteria: CeGaT Center For Human Genetics Tuebingen Variant Classification Criteria Version 2. Collection method: clinical testing. Allele origin: germline. Affected: yes. Observed: 1 variant allele.
Comment: SSH1: PM2